The following is an entry in ClinVar:

NM_001083619.3(GRIA2):c.739C>G (p.Leu247Val)

Gene: GRIA2 (glutamate ionotropic receptor AMPA type subunit 2; plus strand). Cytogenetic location: 4q32.1.
Variant type: single nucleotide variant.
Coding change: c.739C>G on transcript NM_001083619.3 (MANE Select); coding-DNA position 739, C replaced by G.
Protein change: p.Leu247Val; replaces leucine 247 with valine.
Molecular consequence: missense variant.
Genome position (GRCh38, 1-based): chr4:157,321,456, C>G. VCF-style: chr4-157321456-C-G. GRCh37 (hg19) VCF-style: chr4-158242608-C-G.
Other names: c.739C>G (NM_001083619.1); c.739C>G, p.Leu247Val (NM_000826.6); c.598C>G, p.Leu200Val (NM_001083620.3, NM_001379000.3, NM_001379001.3); short protein forms L200V, L247V.
Identifiers: ClinVar variation 1098705 (VCV001098705.2), dbSNP rs1734562238, ClinGen allele CA358646141.

ClinVar aggregate classification (germline): Uncertain significance. Review status: criteria provided, multiple submitters, no conflicts (2 of 4 stars). 2 submissions from 2 submitters: Uncertain significance (2). Last evaluated 2025-05-26.

Conditions:
Inborn genetic diseases. Identifiers: MedGen C0950123, MeSH D030342.
Neurodevelopmental disorder with language impairment and behavioral abnormalities. Also called: GRIA2-related neurodevelopmental disorder. Identifiers: MedGen C5394502, MONDO:0030060, OMIM 618917.

Allele frequency attached by ClinVar (database versions not stated): TOPMed 0.00002.
gnomAD v4.1: 1 of 1,610,264 alleles (0.000062%); no homozygotes.

Submissions (2):

Ambry Genetics
Classification: Uncertain significance for Inborn genetic diseases. Last evaluated: 2025-05-26. Review status: criteria provided, single submitter. Criteria: Ambry Variant Classification Scheme 2023. Collection method: clinical testing. Allele origin: germline.

New York Genome Center
Classification: Uncertain significance for Neurodevelopmental disorder with language impairment and behavioral abnormalities. Last evaluated: 2020-07-17. Review status: criteria provided, single submitter. Criteria: NYGC Assertion Criteria 2020. Collection method: clinical testing. Allele origin: germline. Observed: 1 heterozygote. Study: CSER-NYCKidSeq.
Comment: The heterozygous p.Leu247Val missense variant identified in the GRIA2 gene is absent from the gnomAD(v3) database indicating it is an extremely rare allele in the populations represented in gnomAD(v3). The variant affects a highly conserved residue and is predicted deleterious by multiple in silico prediction tools. Based on the current evidence, the heterozygous p.Leu247Val missense variant identified in the GRIA2 gene is assessed as a variant of uncertain significance.